The following is an entry in ClinVar:

NM_001330588.2(TPP2):c.666C>T (p.Thr222=)

Gene: TPP2 (tripeptidyl peptidase 2; plus strand). Cytogenetic location: 13q33.1.
Variant type: single nucleotide variant.
Coding change: c.666C>T on transcript NM_001330588.2 (MANE Select); coding-DNA position 666, C replaced by T.
Protein change: p.Thr222=; no amino-acid change (threonine 222 retained).
Molecular consequence: synonymous variant. On other transcripts: non-coding transcript variant (1).
Genome position (GRCh38, 1-based): chr13:102,622,922, C>T. VCF-style: chr13-102622922-C-T. GRCh37 (hg19) VCF-style: chr13-103275272-C-T.
Other names: c.666C>T (NM_003291.3); c.666C>T, p.Thr222= (NM_001367947.1, NM_003291.4).
Identifiers: ClinVar variation 788345 (VCV000788345.13), dbSNP rs149008480, ClinGen allele CA7037573.

ClinVar aggregate classification (germline): Benign. Review status: criteria provided, single submitter (1 of 4 stars). 2 submissions from 2 submitters: Benign (1). 1 of the submissions does not count toward it. Last evaluated 2025-12-17.

Conditions:
Evans syndrome, immunodeficiency, and premature immunosenescence associated with tripeptidyl-peptidase II deficiency. Identifiers: MedGen CN231723. Disease mechanism: loss of function.
TPP2-related disorder. Also called: TPP2-related condition.

Allele frequency attached by ClinVar (database versions not stated): 1000 Genomes Project 30x 0.00078; TOPMed 0.00079; gnomAD 0.00084; 1000 Genomes Project 0.00100; ESP Exome Variant Server 0.00146.
gnomAD v4.1: 280 of 1,613,940 alleles (0.017%); highest among the groups gnomAD compares: African/African-American, 0.29%; no homozygotes.

Submissions (2):

Labcorp Genetics (formerly Invitae), Labcorp
Classification: Benign for Evans syndrome, immunodeficiency, and premature immunosenescence associated with tripeptidyl-peptidase II deficiency. Last evaluated: 2025-12-17. Review status: criteria provided, single submitter. Criteria: Invitae Variant Classification Sherloc (09022015). Collection method: clinical testing. Allele origin: germline.

PreventionGenetics, part of Exact Sciences
Classification: Likely benign for TPP2-related condition. Last evaluated: 2022-05-10. Review status: no assertion criteria provided. Collection method: clinical testing. Allele origin: germline. Not counted in ClinVar's aggregate classification.
Comment: This variant is classified as likely benign based on ACMG/AMP sequence variant interpretation guidelines (Richards et al. 2015 PMID: 25741868, with internal and published modifications).